The following is an entry in ClinVar:

NM_006267.5(RANBP2):c.8075G>A (p.Gly2692Asp)

Gene: RANBP2 (RAN binding protein 2; plus strand). Cytogenetic location: 2q13.
Variant type: single nucleotide variant.
Coding change: c.8075G>A on transcript NM_006267.5 (MANE Select); coding-DNA position 8075, G replaced by A.
Protein change: p.Gly2692Asp; replaces glycine 2692 with aspartic acid.
Molecular consequence: missense variant.
Genome position (GRCh38, 1-based): chr2:108,772,543, G>A. VCF-style: chr2-108772543-G-A. GRCh37 (hg19) VCF-style: chr2-109388999-G-A.
Other names: short protein forms G2692D.
Identifiers: ClinVar variation 469491 (VCV000469491.19), dbSNP rs111958052, ClinGen allele CA1823746.

ClinVar aggregate classification (germline): Likely benign. Review status: criteria provided, multiple submitters, no conflicts (2 of 4 stars). 4 submissions from 4 submitters: Likely benign (4). Last evaluated 2026-03-01.

Conditions:
Familial acute necrotizing encephalopathy (IIAE3). Also called: Susceptibility to Acute Necrotizing Encephalopathy 1; ENCEPHALOPATHY, ACUTE, INFECTION-INDUCED, SUSCEPTIBILITY TO, 3. Identifiers: Orphanet 88619, MedGen C2675556, MONDO:0011953, OMIM 608033.

Allele frequency attached by ClinVar (database versions not stated): gnomAD 0.00056 and 0.00055; ESP Exome Variant Server 0.00077; 1000 Genomes Project 30x 0.00016; 1000 Genomes Project 0.00020; TOPMed 0.00053.
gnomAD v4.1: 1,226 of 1,613,814 alleles (0.076%); highest among the groups gnomAD compares: Non-Finnish European, 0.097%; no homozygotes.

Submissions (4):

CeGaT Center for Human Genetics Tuebingen
Classification: Likely benign. Last evaluated: 2026-03-01. Review status: criteria provided, single submitter. Criteria: CeGaT Center For Human Genetics Tuebingen Variant Classification Criteria Version 2. Collection method: clinical testing. Allele origin: germline. Affected: yes. Observed: 1 variant allele.
Comment: RANBP2: BP4, BS1

Blueprint Genetics
Classification: Likely benign. Last evaluated: 2024-11-21. Review status: criteria provided, single submitter. Criteria: ACMG Guidelines, 2015. Collection method: clinical testing. Allele origin: germline.

Labcorp Genetics (formerly Invitae), Labcorp
Classification: Likely benign for Familial acute necrotizing encephalopathy. Last evaluated: 2024-04-16. Review status: criteria provided, single submitter. Criteria: Invitae Variant Classification Sherloc (09022015). Collection method: clinical testing. Allele origin: germline.

Ambry Genetics
Classification: Likely benign. Last evaluated: 2021-08-04. Review status: criteria provided, single submitter. Criteria: Ambry Variant Classification Scheme 2023. Collection method: clinical testing. Allele origin: germline.